The following is an entry in ClinVar:

NM_004304.5(ALK):c.2205-3C>T

Gene: ALK (ALK receptor tyrosine kinase; minus strand). Cytogenetic location: 2p23.2.
Variant type: single nucleotide variant.
Coding change: c.2205-3C>T on transcript NM_004304.5 (MANE Select); 3 bases into the intron before coding-DNA position 2205, C replaced by T.
Molecular consequence: intron variant.
Genome position (GRCh38, 1-based): chr2:29,239,833, G>A on the plus strand (C>T on the coding strand, the complement: ALK is on the minus strand). VCF-style: chr2-29239833-G-A. GRCh37 (hg19) VCF-style: chr2-29462699-G-A.
Other names: c.2205-3C>T (NM_004304.4).
Identifiers: ClinVar variation 2030155 (VCV002030155.5), dbSNP rs2148188909, ClinGen allele CA2580066327.

ClinVar aggregate classification (germline): Uncertain significance. Review status: criteria provided, multiple submitters, no conflicts (2 of 4 stars). 2 submissions from 2 submitters: Uncertain significance (2). Last evaluated 2026-05-07.

Conditions:
Hereditary cancer-predisposing syndrome. Also called: Neoplastic Syndromes, Hereditary; Tumor predisposition; Hereditary Cancer Syndrome; Hereditary neoplastic syndrome. Identifiers: Orphanet 140162, MedGen C0027672, MeSH D009386, MONDO:0015356.
Neuroblastoma, susceptibility to, 3. Also called: ALK-Related Neuroblastic Tumor Susceptibility. Identifiers: Orphanet 635, MedGen C2751681, MONDO:0013083, OMIM 613014.

Submissions (2):

Ambry Genetics
Classification: Uncertain significance for Hereditary cancer-predisposing syndrome. Last evaluated: 2026-05-07. Review status: criteria provided, single submitter. Criteria: Ambry Variant Classification Scheme 2023. Collection method: clinical testing. Allele origin: germline.
Comment: The c.2205-3C>T intronic variant results from a C to T substitution 3 nucleotides upstream from coding exon 13 in the ALK gene. This nucleotide position is well conserved in available vertebrate species. In silico splice site analysis predicts that this alteration will not have any significant effect on splicing. Based on the available evidence, the clinical significance of this variant remains unclear.

Labcorp Genetics (formerly Invitae), Labcorp
Classification: Uncertain significance for Neuroblastoma, susceptibility to, 3. Last evaluated: 2022-09-13. Review status: criteria provided, single submitter. Criteria: Invitae Variant Classification Sherloc (09022015). Collection method: clinical testing. Allele origin: germline.
Comment: This variant is not present in population databases (gnomAD no frequency). This variant has not been reported in the literature in individuals affected with ALK-related conditions. Variants that disrupt the consensus splice site are a relatively common cause of aberrant splicing (PMID: 17576681, 9536098). Algorithms developed to predict the effect of sequence changes on RNA splicing suggest that this variant is not likely to affect RNA splicing. In summary, the available evidence is currently insufficient to determine the role of this variant in disease. Therefore, it has been classified as a Variant of Uncertain Significance. This sequence change falls in intron 12 of the ALK gene. It does not directly change the encoded amino acid sequence of the ALK protein. It affects a nucleotide within the consensus splice site.

Literature cited by the submitters: PubMed 17576681 (cited by Labcorp Genetics (formerly Invitae), Labcorp); PubMed 9536098 (cited by Labcorp Genetics (formerly Invitae), Labcorp).